The following is an entry in ClinVar:

ClinVar aggregate classification (germline): Likely benign. Review status: criteria provided, multiple submitters, no conflicts (2 of 4 stars). 6 submissions from 6 submitters: Likely benign (5). 1 of the submissions does not count toward it. Last evaluated 2026-02-02.

Conditions:
Familial melanoma. Also called: Hereditary melanoma; Hereditary cutaneous melanoma. Identifiers: Orphanet 618, MedGen C1512419, MONDO:0018961.
CDK4-related disorder. Also called: CDK4-related condition.
Melanoma, cutaneous malignant, susceptibility to, 3. Also called: Cutaneous malignant melanoma 3. Identifiers: Orphanet 618, MedGen C1836892, MONDO:0012183, OMIM 609048.

Allele frequency attached by ClinVar (database versions not stated): gnomAD exomes below 0.00001 and 0.00001; gnomAD 0.00001; TOPMed 0.00001; ExAC 0.00002.

Submissions (6):

Labcorp Genetics (formerly Invitae), Labcorp
Classification: Likely benign for Familial melanoma. Last evaluated: 2026-02-02. Review status: criteria provided, single submitter. Criteria: Invitae Variant Classification Sherloc (09022015). Collection method: clinical testing. Allele origin: germline.

Quest Diagnostics Nichols Institute San Juan Capistrano
Classification: Likely benign. Last evaluated: 2025-01-16. Review status: criteria provided, single submitter. Criteria: Quest Diagnostics criteria. Collection method: clinical testing. Allele origin: unknown.

Myriad Genetics, Inc.
Classification: Likely benign for Melanoma, cutaneous malignant, susceptibility to, 3. Last evaluated: 2024-09-26. Review status: criteria provided, single submitter. Criteria: Myriad Autosomal Dominant, Autosomal Recessive and X-Linked Classification Criteria (2023). Collection method: clinical testing. Allele origin: unknown.
Comment: This variant is considered likely benign. This variant is intronic and is not expected to impact mRNA splicing.

Women's Health and Genetics/Laboratory Corporation of America, LabCorp
Classification: Likely benign. Last evaluated: 2023-10-30. Review status: criteria provided, single submitter. Criteria: LabCorp Variant Classification Summary - May 2015. Collection method: clinical testing. Allele origin: germline.
Comment: Variant summary: CDK4 c.684-10dupT duplicates a non-conserved nucleotide located at a position not widely known to affect splicing. Consensus agreement among computation tools predict no significant impact on normal splicing. However, these predictions have yet to be confirmed by functional studies. The variant allele was found at a frequency of 8e-06 in 251286 control chromosomes (i.e., 2 heterozygotes; gnomAD v2.1 Exomes dataset). The available data on variant occurrences in the general population are insufficient to allow any conclusion about variant significance. To our knowledge, no occurrence of c.684-10dupT in individuals affected with Cutaneous Malignant Melanoma and no experimental evidence demonstrating its impact on protein function have been reported. Three submitters have reported clinical-significance assessments for this variant to ClinVar after 2014. All submitters classified the variant as likely benign. Based on the evidence outlined above, the variant was classified as likely benign.

GeneDx
Classification: Likely benign. Last evaluated: 2023-06-16. Review status: criteria provided, single submitter. Criteria: GeneDx Variant Classification Process June 2021. Collection method: clinical testing. Allele origin: germline. Affected: yes.
Comment: See Variant Classification Assertion Criteria.

PreventionGenetics, part of Exact Sciences
Classification: Likely benign for CDK4-related condition. Last evaluated: 2019-03-08. Review status: no assertion criteria provided. Collection method: clinical testing. Allele origin: germline. Not counted in ClinVar's aggregate classification.
Comment: This variant is classified as likely benign based on ACMG/AMP sequence variant interpretation guidelines (Richards et al. 2015 PMID: 25741868, with internal and published modifications).

NM_000075.4(CDK4):c.684-10dup

Genes: CDK4 (cyclin dependent kinase 4; minus strand), TSPAN31 (tetraspanin 31; plus strand). Cytogenetic location: 12q14.1.
Variant type: Duplication.
Coding change: c.684-10dup on transcript NM_000075.4 (MANE Select); 10 bases into the intron before coding-DNA position 684, one base duplicated (T; older notation c.684-10dupT).
Molecular consequence: intron variant. On other transcripts: 3 prime UTR variant (3).
Genome position (GRCh38, 1-based): chr12:57,749,327, A duplicated on the plus strand (T on the coding strand, the reverse complement: CDK4 is on the minus strand). VCF-style (leftmost placement, unchanged base first): chr12-57749326-G-GA. GRCh37 (hg19) VCF-style: chr12-58143109-G-GA.
Other names: c.684-10dup (NM_000075.3); c.684-10dupT (NM_000075.4); c.*2037dup (NM_001330168.2, NM_001330169.2, NM_005981.5).
Identifiers: ClinVar variation 421369 (VCV000421369.20), dbSNP rs757684130, ClinGen allele CA6657707.